The following is an entry in ClinVar:

NM_001242957.3(MAK):c.1778A>G (p.Asn593Ser)

Gene: MAK (male germ cell associated kinase; minus strand). Cytogenetic location: 6p24.2.
Variant type: single nucleotide variant.
Coding change: c.1778A>G on transcript NM_001242957.3 (MANE Select); coding-DNA position 1778, A replaced by G.
Protein change: p.Asn593Ser; replaces asparagine 593 with serine.
Molecular consequence: missense variant. On other transcripts: non-coding transcript variant (2), intron variant (2).
Genome position (GRCh38, 1-based): chr6:10,770,125, T>C on the plus strand (A>G on the coding strand, the complement: MAK is on the minus strand). VCF-style: chr6-10770125-T-C. GRCh37 (hg19) VCF-style: chr6-10770358-T-C.
Other names: c.1703A>G, p.Asn568Ser (NM_005906.6); c.1495+5203A>G (NM_001377262.1); c.1597+5203A>G (NM_001242385.2); short protein forms N593S, N568S.
Identifiers: ClinVar variation 354787 (VCV000354787.11), dbSNP rs200866765, ClinGen allele CA3633356.

ClinVar aggregate classification (germline): Uncertain significance. Review status: criteria provided, multiple submitters, no conflicts (2 of 4 stars). 2 submissions from 2 submitters: Uncertain significance (2). Last evaluated 2022-01-01.

Allele frequency attached by ClinVar (database versions not stated): gnomAD 0.00001; gnomAD exomes 0.00002 and 0.00003; TOPMed 0.00002; ExAC 0.00004.
gnomAD v4.1: 33 of 1,614,090 alleles (0.002%); highest among the groups gnomAD compares: East Asian, 0.071%; no homozygotes.

Submissions (2):

Labcorp Genetics (formerly Invitae), Labcorp
Classification: Uncertain significance. Last evaluated: 2022-01-01. Review status: criteria provided, single submitter. Criteria: Invitae Variant Classification Sherloc (09022015). Collection method: clinical testing. Allele origin: germline.
Comment: This sequence change replaces asparagine, which is neutral and polar, with serine, which is neutral and polar, at codon 593 of the MAK protein (p.Asn593Ser). This variant is present in population databases (rs200866765, gnomAD 0.05%). This variant has not been reported in the literature in individuals affected with MAK-related conditions. ClinVar contains an entry for this variant (Variation ID: 354787). Experimental studies and prediction algorithms are not available or were not evaluated, and the functional significance of this variant is currently unknown. In summary, the available evidence is currently insufficient to determine the role of this variant in disease. Therefore, it has been classified as a Variant of Uncertain Significance.

Blueprint Genetics
Classification: Uncertain significance. Last evaluated: 2020-03-04. Review status: criteria provided, single submitter. Criteria: ACMG Guidelines, 2015. Collection method: clinical testing. Allele origin: germline.